The following is an entry in ClinVar:

ClinVar aggregate classification (germline): Uncertain significance (1 of 4 stars; one submission).

Conditions:
Cardiovascular phenotype. Identifiers: MedGen CN230736.

Submission:

Ambry Genetics
Classification: Uncertain significance for Cardiovascular phenotype. Last evaluated: 2025-06-28. Review status: criteria provided, single submitter. Criteria: Ambry Variant Classification Scheme 2023. Collection method: clinical testing. Allele origin: germline.
Comment: The p.T65K variant (also known as c.194C>A), located in coding exon 2 of the MYBPC3 gene, results from a C to A substitution at nucleotide position 194. The threonine at codon 65 is replaced by lysine, an amino acid with similar properties. This amino acid position is conserved. In addition, the in silico prediction for this alteration is inconclusive. Based on the available evidence, the clinical significance of this variant remains unclear.

NM_000256.3(MYBPC3):c.194C>A (p.Thr65Lys)

Gene: MYBPC3 (myosin binding protein C3; minus strand). Cytogenetic location: 11p11.2.
Variant type: single nucleotide variant.
Coding change: c.194C>A on transcript NM_000256.3 (MANE Select); coding-DNA position 194, C replaced by A.
Protein change: p.Thr65Lys; replaces threonine 65 with lysine.
Molecular consequence: missense variant.
Genome position (GRCh38, 1-based): chr11:47,351,337, G>T on the plus strand (C>A on the coding strand, the complement: MYBPC3 is on the minus strand). VCF-style: chr11-47351337-G-T. GRCh37 (hg19) VCF-style: chr11-47372888-G-T.
Other names: short protein forms T65K.
Identifiers: ClinVar variation 4114323 (VCV004114323.1).